The following is an entry in ClinVar:

NM_201384.3(PLEC):c.4408G>A (p.Gly1470Arg)

Gene: PLEC (plectin; minus strand). Cytogenetic location: 8q24.3.
Variant type: single nucleotide variant.
Coding change: c.4408G>A on transcript NM_201384.3 (MANE Select); coding-DNA position 4408, G replaced by A.
Protein change: p.Gly1470Arg; replaces glycine 1470 with arginine.
Molecular consequence: missense variant.
Genome position (GRCh38, 1-based): chr8:143,925,521, C>T on the plus strand (G>A on the coding strand, the complement: PLEC is on the minus strand). VCF-style: chr8-143925521-C-T. GRCh37 (hg19) VCF-style: chr8-144999689-C-T.
Other names: c.4489G>A, p.Gly1497Arg (NM_000445.5); c.4366G>A, p.Gly1456Arg (NM_201378.4); c.4342G>A, p.Gly1448Arg (NM_201379.3); c.4819G>A, p.Gly1607Arg (NM_201380.4); c.4312G>A, p.Gly1438Arg (NM_201381.3); c.4408G>A, p.Gly1470Arg (NM_201382.4); c.4420G>A, p.Gly1474Arg (NM_201383.3); short protein forms G1438R, G1448R, G1456R, G1470R, G1474R, G1607R, G1497R.
Identifiers: ClinVar variation 945365 (VCV000945365.9), dbSNP rs782341251, ClinGen allele CA4926671.
Genomic context (GRCh38, chr8:143,925,521, plus strand): 5'-GCTTTTGTGCCTCAGCCTCCTCCGCCCGTGCACGCAGTGCCTGCAGCTCCCCCTCAGCCC[C>T]GCCACGCTGGCGCTCGGTGGCCTCCAACTGCAGGCGCACCACGCGGATCTCCTCCTCGAT-3'
Protein context (NP_958786.1, residues 1460-1480): QLEATERQRG[Gly1470Arg]AEGELQALRA

ClinVar aggregate classification (germline): Conflicting classifications of pathogenicity. Review status: criteria provided, conflicting classifications (1 of 4 stars). 2 submissions from 2 submitters: Uncertain significance (1); Likely benign (1). Last evaluated 2025-02-10.

Conditions:
Epidermolysis bullosa simplex 5B, with muscular dystrophy (EBS5B). Also called: EPIDERMOLYSIS BULLOSA SIMPLEX AND LIMB-GIRDLE MUSCULAR DYSTROPHY; Epidermolysis bullosa simplex with muscular dystrophy. Identifiers: Orphanet 257, MedGen C2931072, MONDO:0009181, OMIM 226670.
Epidermolysis bullosa simplex with nail dystrophy (EBS5D). Identifiers: MedGen C4225309, MONDO:0014661, OMIM 616487.
Epidermolysis bullosa simplex, Ogna type (EBS5A). Also called: EPIDERMOLYSIS BULLOSA SIMPLEX 5A, OGNA TYPE; Pidermolysis bullosa simplex 5A, Ogna type. Identifiers: Orphanet 79401, MedGen C0432317, MONDO:0007555, OMIM 131950.
Autosomal recessive limb-girdle muscular dystrophy type 2Q (LGMDR17). Also called: MUSCULAR DYSTROPHY, LIMB-GIRDLE, AUTOSOMAL RECESSIVE 17. Identifiers: Orphanet 254361, MedGen C3150989, MONDO:0013390, OMIM 613723.
Epidermolysis bullosa simplex 5C, with pyloric atresia (EBS5C). Also called: Epidermolysis bullosa simplex with pyloric atresia; PLEC-Related Epidermolysis Bullosa with Pyloric Atresia; PLEC1-Related Epidermolysis Bullosa with Pyloric Atresia. Identifiers: Orphanet 158684, MedGen C2677349, MONDO:0012807, OMIM 612138.

Allele frequency attached by ClinVar (database versions not stated): gnomAD 0.00004; gnomAD exomes 0.00004 and 0.00018; TOPMed 0.00016; ExAC 0.00025.
gnomAD v4.1: 68 of 1,595,478 alleles (0.0043%); highest among the groups gnomAD compares: East Asian, 0.08%; no homozygotes.

Submissions (2):

Labcorp Genetics (formerly Invitae), Labcorp
Classification: Uncertain significance for Autosomal recessive limb-girdle muscular dystrophy type 2Q; Epidermolysis bullosa simplex, Ogna type; Epidermolysis bullosa simplex with nail dystrophy; Epidermolysis bullosa simplex 5C, with pyloric atresia; Epidermolysis bullosa simplex 5B, with muscular dystrophy. Last evaluated: 2025-02-10. Review status: criteria provided, single submitter. Criteria: Invitae Variant Classification Sherloc (09022015). Collection method: clinical testing. Allele origin: germline.
Comment: This sequence change replaces glycine, which is neutral and non-polar, with arginine, which is basic and polar, at codon 1497 of the PLEC protein (p.Gly1497Arg). This variant is present in population databases (rs782341251, gnomAD 0.2%). This variant has not been reported in the literature in individuals affected with PLEC-related conditions. ClinVar contains an entry for this variant (Variation ID: 945365). Experimental studies and prediction algorithms are not available or were not evaluated, and the functional significance of this variant is currently unknown. In summary, the available evidence is currently insufficient to determine the role of this variant in disease. Therefore, it has been classified as a Variant of Uncertain Significance.

Revvity Omics, Revvity
Classification: Likely benign. Last evaluated: 2025-01-08. Review status: criteria provided, single submitter. Criteria: ACMG Guidelines, 2015. Collection method: clinical testing. Allele origin: germline.